The following is an entry in ClinVar:

NM_006767.4(LZTR1):c.1220T>C (p.Val407Ala)

Gene: LZTR1 (leucine zipper like post translational regulator 1; plus strand). Cytogenetic location: 22q11.21.
Variant type: single nucleotide variant.
Coding change: c.1220T>C on transcript NM_006767.4 (MANE Select); coding-DNA position 1220, T replaced by C.
Protein change: p.Val407Ala; replaces valine 407 with alanine.
Molecular consequence: missense variant.
Genome position (GRCh38, 1-based): chr22:20,992,864, T>C. VCF-style: chr22-20992864-T-C. GRCh37 (hg19) VCF-style: chr22-21347153-T-C.
Other names: short protein forms V407A.
Identifiers: ClinVar variation 1753026 (VCV001753026.3), dbSNP rs758764652, ClinGen allele CA10118765.

ClinVar aggregate classification (germline): Uncertain significance. Review status: criteria provided, multiple submitters, no conflicts (2 of 4 stars). 2 submissions from 2 submitters: Uncertain significance (2). Last evaluated 2022-10-21.

Conditions:
Cardiovascular phenotype. Identifiers: MedGen CN230736.
Hereditary cancer-predisposing syndrome. Also called: Neoplastic Syndromes, Hereditary; Tumor predisposition; Hereditary Cancer Syndrome; Hereditary neoplastic syndrome. Identifiers: Orphanet 140162, MedGen C0027672, MeSH D009386, MONDO:0015356.

Allele frequency attached by ClinVar (database versions not stated): gnomAD exomes below 0.00001; ExAC 0.00001.
gnomAD v4.1: 1 of 1,609,884 alleles (0.000062%); highest among the groups gnomAD compares: Non-Finnish European, 0.000085%; no homozygotes.

Submissions (2):

GeneDx
Classification: Uncertain significance. Last evaluated: 2022-10-21. Review status: criteria provided, single submitter. Criteria: GeneDx Variant Classification Process June 2021. Collection method: clinical testing. Allele origin: germline. Affected: yes.
Comment: Not observed at significant frequency in large population cohorts (gnomAD); In silico analysis supports that this missense variant has a deleterious effect on protein structure/function; Has not been previously published as pathogenic or benign to our knowledge

Ambry Genetics
Classification: Uncertain significance for Cardiovascular phenotype; Hereditary cancer-predisposing syndrome. Last evaluated: 2022-03-19. Review status: criteria provided, single submitter. Criteria: Ambry Variant Classification Scheme 2023. Collection method: clinical testing. Allele origin: germline.
Comment: The p.V407A variant (also known as c.1220T>C), located in coding exon 11 of the LZTR1 gene, results from a T to C substitution at nucleotide position 1220. The valine at codon 407 is replaced by alanine, an amino acid with similar properties. This amino acid position is conserved. In addition, this alteration is predicted to be tolerated by in silico analysis. Since supporting evidence is limited at this time, the clinical significance of this alteration remains unclear.